The following is an entry in ClinVar:

ClinVar aggregate classification (germline): Likely benign. Review status: criteria provided, multiple submitters, no conflicts (2 of 4 stars). 4 submissions from 4 submitters: Likely benign (3). 1 of the submissions does not count toward it. Last evaluated 2024-12-19.

Conditions:
JAG1-related disorder. Also called: JAG1-related disorders; JAG1-related condition.
Alagille syndrome due to a JAG1 point mutation. Also called: HEPATIC DUCTULAR HYPOPLASIA, SYNDROMATIC; JAG1-Related Alagille Syndrome; Alagille Syndrome 1. Identifiers: Orphanet 261619, Orphanet 52, MedGen C1956125, MONDO:0016862, OMIM 118450.
Cardiovascular phenotype. Identifiers: MedGen CN230736.

Allele frequency attached by ClinVar (database versions not stated): gnomAD 0.00002 and 0.00003; TOPMed 0.00002; ExAC 0.00003; gnomAD exomes 0.00003.
gnomAD v4.1: 23 of 1,610,332 alleles (0.0014%); highest among the groups gnomAD compares: Middle Eastern, 0.017%; no homozygotes.

Submissions (4):

Labcorp Genetics (formerly Invitae), Labcorp
Classification: Likely benign for Alagille syndrome due to a JAG1 point mutation. Last evaluated: 2024-12-19. Review status: criteria provided, single submitter. Criteria: Invitae Variant Classification Sherloc (09022015). Collection method: clinical testing. Allele origin: germline.

Ambry Genetics
Classification: Likely benign for Cardiovascular phenotype. Last evaluated: 2023-01-23. Review status: criteria provided, single submitter. Criteria: Ambry Variant Classification Scheme 2023. Collection method: clinical testing. Allele origin: germline.

Blueprint Genetics
Classification: Likely benign. Last evaluated: 2020-12-04. Review status: criteria provided, single submitter. Criteria: ACMG Guidelines, 2015. Collection method: clinical testing. Allele origin: germline.

PreventionGenetics, part of Exact Sciences
Classification: Likely benign for JAG1-related condition. Last evaluated: 2023-09-06. Review status: no assertion criteria provided. Collection method: clinical testing. Allele origin: germline. Not counted in ClinVar's aggregate classification.
Comment: This variant is classified as likely benign based on ACMG/AMP sequence variant interpretation guidelines (Richards et al. 2015 PMID: 25741868, with internal and published modifications).

NM_000214.3(JAG1):c.1224G>A (p.Thr408=)

Gene: JAG1 (jagged canonical Notch ligand 1; minus strand). Cytogenetic location: 20p12.2.
Variant type: single nucleotide variant.
Coding change: c.1224G>A on transcript NM_000214.3 (MANE Select); coding-DNA position 1224, G replaced by A.
Protein change: p.Thr408=; no amino-acid change (threonine 408 retained).
Molecular consequence: synonymous variant.
Genome position (GRCh38, 1-based): chr20:10,650,257, C>T on the plus strand (G>A on the coding strand, the complement: JAG1 is on the minus strand). VCF-style: chr20-10650257-C-T. GRCh37 (hg19) VCF-style: chr20-10630905-C-T.
Identifiers: ClinVar variation 713170 (VCV000713170.10), dbSNP rs771839716, ClinGen allele CA9764952.